The following is an entry in ClinVar:

ClinVar aggregate classification (germline): Likely pathogenic. Review status: criteria provided, multiple submitters, no conflicts (2 of 4 stars). 2 submissions from 2 submitters: Likely pathogenic (2). Last evaluated 2026-07-10.

Conditions:
Hereditary diffuse gastric adenocarcinoma (HDGC). Also called: DIFFUSE GASTRIC AND LOBULAR BREAST CANCER SYNDROME. Identifiers: Orphanet 26106, MedGen C1708349, MONDO:0007648, OMIM 137215.
Hereditary cancer-predisposing syndrome. Also called: Neoplastic Syndromes, Hereditary; Tumor predisposition; Hereditary Cancer Syndrome; Hereditary neoplastic syndrome. Identifiers: Orphanet 140162, MedGen C0027672, MeSH D009386, MONDO:0015356.

Submissions (2):

Ambry Genetics
Classification: Likely pathogenic for Hereditary cancer-predisposing syndrome. Last evaluated: 2026-07-10. Review status: criteria provided, single submitter. Criteria: Ambry Variant Classification Scheme 2023. Collection method: clinical testing. Allele origin: germline.
Comment: The c.1566-1delG intronic variant, located in intron 10 of the CDH1 gene, results from a deletion of one nucleotide within intron 10 of the CDH1 gene. This variant is considered to be rare based on population cohorts in the Genome Aggregation Database (gnomAD). This nucleotide position is highly conserved in available vertebrate species. In silico splice site analysis predicts that this alteration will weaken the native splice acceptor site and may result in the creation or strengthening of a novel splice acceptor site; however, direct evidence is insufficient at this time (Ambry internal data). Variants that disrupt the canonical splice site are expected to cause aberrant splicing, resulting in an abnormal protein or a transcript that is subject to nonsense-mediated mRNA decay. As such, this variant is classified as likely pathogenic.

Myriad Genetics, Inc.
Classification: Likely pathogenic for Hereditary diffuse gastric adenocarcinoma. Last evaluated: 2025-07-22. Review status: criteria provided, single submitter. Criteria: Myriad Autosomal Dominant, Autosomal Recessive and X-Linked Classification Criteria (2023). Collection method: clinical testing. Allele origin: unknown.
Comment: This variant is considered likely pathogenic. This variant occurs within a consensus splice junction and is predicted to result in abnormal mRNA splicing of either an out-of-frame exon or an in-frame exon necessary for protein stability and/or normal function.

NM_004360.5(CDH1):c.1566-1del

Gene: CDH1 (cadherin 1; plus strand). Cytogenetic location: 16q22.1.
Variant type: Deletion.
Coding change: c.1566-1del on transcript NM_004360.5 (MANE Select); the canonical splice acceptor site of the intron before coding-DNA position 1566, one base deleted (G; older notation c.1566-1delG).
Molecular consequence: splice acceptor variant. On other transcripts: intron variant (1).
Genome position (GRCh38, 1-based): chr16:68,819,279, G deleted. VCF-style (leftmost placement, unchanged base first): chr16-68819278-AG-A. GRCh37 (hg19) VCF-style: chr16-68853181-AG-A.
Other names: c.18-1del (NM_001317185.2); c.-254-2722del (NM_001317186.2); c.1383-1del (NM_001317184.2); c.1566-1delG (NM_004360.3).
Identifiers: ClinVar variation 4294239 (VCV004294239.2).